The following is an entry in ClinVar:

NM_015488.5(PNKD):c.557G>A (p.Arg186Gln)

Genes: CATIP-AS2 (CATIP antisense RNA 2; minus strand), PNKD (PNKD metallo-beta-lactamase domain containing; plus strand). Cytogenetic location: 2q35.
Variant type: single nucleotide variant.
Coding change: c.557G>A on transcript NM_015488.5 (MANE Select); coding-DNA position 557, G replaced by A.
Protein change: p.Arg186Gln; replaces arginine 186 with glutamine.
Molecular consequence: missense variant.
Genome position (GRCh38, 1-based): chr2:218,341,566, G>A. VCF-style: chr2-218341566-G-A. GRCh37 (hg19) VCF-style: chr2-219206289-G-A.
Other names: c.485G>A, p.Arg162Gln (NM_022572.5); short protein forms R186Q, R162Q.
Identifiers: ClinVar variation 536497 (VCV000536497.11), dbSNP rs143162613, ClinGen allele CA2104006.

ClinVar aggregate classification (germline): Uncertain significance. Review status: criteria provided, multiple submitters, no conflicts (2 of 4 stars). 2 submissions from 2 submitters: Uncertain significance (2). Last evaluated 2024-12-04.

Conditions:
Paroxysmal nonkinesigenic dyskinesia. Also called: Paroxysmal non-kinesigenic dyskinesia. Identifiers: Orphanet 98810, MedGen C1869117, MONDO:0700088.
Paroxysmal nonkinesigenic dyskinesia 1 (PNKD1). Also called: DYSTONIA 8; Familial Paroxysmal Nonkinesigenic Dyskinesia; PAROXYSMAL DYSTONIC CHOREOATHETOSIS; MOUNT-REBACK SYNDROME; PxMD-PNKD; Nonkinesigenic choreoathetosis. Identifiers: Orphanet 98810, MedGen C4551506, MONDO:0700089, OMIM 118800, MONDO:0007326.

Allele frequency attached by ClinVar (database versions not stated): gnomAD exomes 0.00003; ExAC 0.00004; ESP Exome Variant Server 0.00008; gnomAD 0.00001 and 0.00002; TOPMed 0.00002.
gnomAD v4.1: 13 of 1,602,404 alleles (0.00081%); highest among the groups gnomAD compares: Admixed American, 0.0034%; no homozygotes.

Submissions (2):

Labcorp Genetics (formerly Invitae), Labcorp
Classification: Uncertain significance for Paroxysmal nonkinesigenic dyskinesia. Last evaluated: 2024-12-04. Review status: criteria provided, single submitter. Criteria: Invitae Variant Classification Sherloc (09022015). Collection method: clinical testing. Allele origin: germline.
Comment: This sequence change replaces arginine, which is basic and polar, with glutamine, which is neutral and polar, at codon 186 of the PNKD protein (p.Arg186Gln). The frequency data for this variant in the population databases is considered unreliable, as metrics indicate poor data quality at this position in the gnomAD database. This variant has not been reported in the literature in individuals affected with PNKD-related conditions. ClinVar contains an entry for this variant (Variation ID: 536497). Invitae Evidence Modeling of protein sequence and biophysical properties (such as structural, functional, and spatial information, amino acid conservation, physicochemical variation, residue mobility, and thermodynamic stability) indicates that this missense variant is not expected to disrupt PNKD protein function with a negative predictive value of 80%. In summary, the available evidence is currently insufficient to determine the role of this variant in disease. Therefore, it has been classified as a Variant of Uncertain Significance.

Fulgent Genetics
Classification: Uncertain significance for Paroxysmal nonkinesigenic dyskinesia 1. Last evaluated: 2024-04-30. Review status: criteria provided, single submitter. Criteria: ACMG Guidelines, 2015. Collection method: clinical testing. Allele origin: germline.